The following is an entry in ClinVar:

NM_024753.5(TTC21B):c.3182A>G (p.Tyr1061Cys)

Gene: TTC21B (tetratricopeptide repeat domain 21B; minus strand). Cytogenetic location: 2q24.3.
Variant type: single nucleotide variant.
Coding change: c.3182A>G on transcript NM_024753.5 (MANE Select); coding-DNA position 3182, A replaced by G.
Protein change: p.Tyr1061Cys; replaces tyrosine 1061 with cysteine.
Molecular consequence: missense variant.
Genome position (GRCh38, 1-based): chr2:165,890,560, T>C on the plus strand (A>G on the coding strand, the complement: TTC21B is on the minus strand). VCF-style: chr2-165890560-T-C. GRCh37 (hg19) VCF-style: chr2-166747070-T-C.
Other names: c.3182A>G (NM_024753.3); short protein forms Y1061C.
Identifiers: ClinVar variation 452809 (VCV000452809.10), dbSNP rs200280772, ClinGen allele CA1941562.

ClinVar aggregate classification (germline): Uncertain significance. Review status: criteria provided, multiple submitters, no conflicts (2 of 4 stars). 5 submissions from 5 submitters: Uncertain significance (5). Last evaluated 2026-04-14.

Conditions:
TTC21B-related disorder. Also called: TTC21B-related condition; TTC21B-related disorders.
Inborn genetic diseases. Identifiers: MedGen C0950123, MeSH D030342.
Nephronophthisis. Also called: Juvenile Nephronophthisis. Identifiers: Orphanet 655, MedGen C0687120, MONDO:0019005, HP:0000090.
Jeune thoracic dystrophy. Also called: Infantile thoracic dystrophy; Thoracic pelvic phalangeal dystrophy; Jeune's syndrome; Chondroectodermal dysplasia-like syndrome; Jeune syndrome; Short-rib thoracic dysplasia. Identifiers: Orphanet 474, MedGen C0265275, MONDO:0018770.
Asphyxiating thoracic dystrophy 4 (SRTD4). Also called: SHORT-RIB THORACIC DYSPLASIA 4 WITH OR WITHOUT POLYDACTYLY; SHORT-RIB THORACIC DYSPLASIA 4. Identifiers: Orphanet 474, MedGen C3151185, MONDO:0013441, OMIM 613819.
Nephronophthisis 12 (NPHP12). Identifiers: Orphanet 655, MedGen C3151186, MONDO:0013442, OMIM 613820.

Allele frequency attached by ClinVar (database versions not stated): gnomAD exomes below 0.00001 and 0.00002; ExAC 0.00001; TOPMed 0.00002; gnomAD 0.00004.
gnomAD v4.1: 30 of 1,613,674 alleles (0.0019%); highest among the groups gnomAD compares: Admixed American, 0.0033%; no homozygotes.

Submissions (5):

PreventionGenetics, part of Exact Sciences
Classification: Uncertain significance for TTC21B-related condition. Last evaluated: 2026-04-14. Review status: criteria provided, single submitter. Criteria: ACMG Guidelines, 2015. Collection method: clinical testing. Allele origin: germline.
Comment: The TTC21B c.3182A>G variant is predicted to result in the amino acid substitution p.Tyr1061Cys. To our knowledge, this variant has not been reported in the literature. This variant is reported in 0.0039% of alleles in individuals of European (Non-Finnish) descent in gnomAD. At this time, the clinical significance of this variant is uncertain due to the absence of conclusive functional and genetic evidence.

Ambry Genetics
Classification: Uncertain significance for Inborn genetic diseases. Last evaluated: 2024-11-22. Review status: criteria provided, single submitter. Criteria: Ambry Variant Classification Scheme 2023. Collection method: clinical testing. Allele origin: germline.

Fulgent Genetics
Classification: Uncertain significance for Asphyxiating thoracic dystrophy 4; Nephronophthisis 12. Last evaluated: 2024-01-20. Review status: criteria provided, single submitter. Criteria: ACMG Guidelines, 2015. Collection method: clinical testing. Allele origin: germline.

Labcorp Genetics (formerly Invitae), Labcorp
Classification: Uncertain significance for Jeune thoracic dystrophy; Nephronophthisis. Last evaluated: 2022-10-24. Review status: criteria provided, single submitter. Criteria: Invitae Variant Classification Sherloc (09022015). Collection method: clinical testing. Allele origin: germline.
Comment: This sequence change replaces tyrosine, which is neutral and polar, with cysteine, which is neutral and slightly polar, at codon 1061 of the TTC21B protein (p.Tyr1061Cys). This variant is present in population databases (rs200280772, gnomAD 0.003%). This variant has not been reported in the literature in individuals affected with TTC21B-related conditions. ClinVar contains an entry for this variant (Variation ID: 452809). Advanced modeling of protein sequence and biophysical properties (such as structural, functional, and spatial information, amino acid conservation, physicochemical variation, residue mobility, and thermodynamic stability) performed at Invitae indicates that this missense variant is not expected to disrupt TTC21B protein function. In summary, the available evidence is currently insufficient to determine the role of this variant in disease. Therefore, it has been classified as a Variant of Uncertain Significance.

GeneDx
Classification: Uncertain significance. Last evaluated: 2017-10-23. Review status: criteria provided, single submitter. Criteria: GeneDx Variant Classification (06012015). Collection method: clinical testing. Allele origin: germline. Affected: yes.
Comment: A variant of uncertain significance has been identified in the TTC21B gene. The Y1061C variant has not been published as a pathogenic variant, nor has it been reported as a benign variant to our knowledge. This variant is not observed at a significant frequency in large population cohorts (Lek et al., 2016). The Y1061C variant is a non-conservative amino acid substitution, which is likely to impact secondary protein structure as these residues differ in polarity, charge, size and/or other properties. Additionally, this substitution occurs at a position that is conserved across species, and in silico analysis predicts this variant is probably damaging to the protein structure/function. Based on the currently available information, it is unclear whether this variant is a pathogenic variant or a rare benign variant.